The following is an entry in ClinVar:

NM_000268.4(NF2):c.1702del (p.Arg568fs)

Gene: NF2 (NF2, moesin-ezrin-radixin like (MERLIN) tumor suppressor; plus strand). Cytogenetic location: 22q12.2.
Variant type: Deletion.
Coding change: c.1702del on transcript NM_000268.4 (MANE Select); coding-DNA position 1702, one base deleted (A; older notation c.1702delA).
Protein change: p.Arg568fs; shifts the reading frame from arginine 568.
Molecular consequence: frameshift variant. On other transcripts: intron variant (3).
Genome position (GRCh38, 1-based): chr22:29,681,566, A deleted. VCF-style (leftmost placement, unchanged base first): chr22-29681565-CA-C. GRCh37 (hg19) VCF-style: chr22-30077554-CA-C.
Other names: c.1588del, p.Arg530fs (NM_001407053.1, NM_001407056.1); c.1579del, p.Arg527fs (NM_001407054.1, NM_001407058.1, NM_181829.3); c.1576del, p.Arg526fs (NM_001407055.1, NM_181828.3); c.1567del, p.Arg523fs (NM_001407057.1, NM_001407059.1); c.1444del, p.Arg482fs (NM_001407062.1); c.1453del, p.Arg485fs (NM_001407063.1, NM_181830.3, NM_181831.3); c.1168del, p.Arg390fs (NM_001407065.1); c.1702del, p.Arg568fs (NM_001407066.1, NM_016418.5, NM_181825.3 and 1 more transcripts); and 4 more; short protein forms R485fs, R390fs, R523fs, R526fs, R568fs, R482fs, R491fs, R530fs.
Identifiers: ClinVar variation 3919157 (VCV003919157.1).

ClinVar aggregate classification (germline): Uncertain significance (1 of 4 stars; one submission).

Conditions:
Hereditary cancer-predisposing syndrome. Also called: Hereditary Cancer Syndrome; Hereditary neoplastic syndrome; Neoplastic Syndromes, Hereditary; Tumor predisposition. Identifiers: Orphanet 140162, MedGen C0027672, MeSH D009386, MONDO:0015356.

Submission:

Ambry Genetics
Classification: Uncertain significance for Hereditary cancer-predisposing syndrome. Last evaluated: 2025-06-06. Review status: criteria provided, single submitter. Criteria: Ambry Variant Classification Scheme 2023. Collection method: clinical testing. Allele origin: germline.
Comment: The c.1702delA variant, located in coding exon 15 of the NF2 gene, results from a deletion of one nucleotide at nucleotide position 1702, causing a translational frameshift with a predicted alternate stop codon (p.R568Gfs*31). This alteration occurs at the 3' terminus of theNF2 gene, is not expected to trigger nonsense-mediated mRNAdecay and results in the elongation of the protein by 2 amino acids. This frameshift impacts the last 4.7%amino acids of the native protein. The exact functional effect of the altered amino acids is unknown. Based on the available evidence, the clinical significance of this variant remains unclear.